The following is an entry in ClinVar:

ClinVar aggregate classification (germline): Benign (0 of 4 stars; one submission).

Conditions:
KIF4B-related disorder. Also called: KIF4B-related condition.

Allele frequency attached by ClinVar (database versions not stated): TOPMed 0.14570; ESP Exome Variant Server 0.14655; 1000 Genomes Project 30x 0.15319; 1000 Genomes Project 0.15755.

Submission:

PreventionGenetics, part of Exact Sciences
Classification: Benign for KIF4B-related condition. Last evaluated: 2019-04-01. Review status: no assertion criteria provided. Collection method: clinical testing. Allele origin: germline.
Comment: This variant is classified as benign based on ACMG/AMP sequence variant interpretation guidelines (Richards et al. 2015 PMID: 25741868, with internal and published modifications).

NM_001099293.3(KIF4B):c.3086G>A (p.Arg1029His)

Gene: KIF4B (kinesin family member 4B; plus strand). Cytogenetic location: 5q33.2.
Variant type: single nucleotide variant.
Coding change: c.3086G>A on transcript NM_001099293.3 (MANE Select); coding-DNA position 3086, G replaced by A.
Protein change: p.Arg1029His; replaces arginine 1029 with histidine.
Molecular consequence: missense variant.
Genome position (GRCh38, 1-based): chr5:155,016,945, G>A. VCF-style: chr5-155016945-G-A. GRCh37 (hg19) VCF-style: chr5-154396505-G-A.
Other names: short protein forms R1029H.
Identifiers: ClinVar variation 3056311 (VCV003056311.2), dbSNP rs60928118, ClinGen allele CA3530294.